The following is an entry in ClinVar:

NM_001958.5(EEF1A2):c.255C>G (p.Tyr85Ter)

Gene: EEF1A2 (eukaryotic translation elongation factor 1 alpha 2; minus strand). Cytogenetic location: 20q13.33.
Variant type: single nucleotide variant.
Coding change: c.255C>G on transcript NM_001958.5 (MANE Select); coding-DNA position 255, C replaced by G.
Protein change: p.Tyr85Ter; replaces tyrosine 85 with a stop codon.
Molecular consequence: nonsense.
Genome position (GRCh38, 1-based): chr20:63,495,925, G>C on the plus strand (C>G on the coding strand, the complement: EEF1A2 is on the minus strand). VCF-style: chr20-63495925-G-C. GRCh37 (hg19) VCF-style: chr20-62127278-G-C.
Other names: short protein forms Y85*.
Identifiers: ClinVar variation 488944 (VCV000488944.2), dbSNP rs1555883865, ClinGen allele CA409651399.

ClinVar aggregate classification (germline): Uncertain significance (1 of 4 stars; one submission).

Submission:

GeneDx
Classification: Uncertain significance. Last evaluated: 2016-09-27. Review status: criteria provided, single submitter. Criteria: GeneDx Variant Classification (06012015). Collection method: clinical testing. Allele origin: germline. Affected: yes.
Comment: The Y85X variant in the EEF1A2 gene has not been reported previously as a pathogenic variant nor as a benign variant, to our knowledge. This variant is predicted to cause loss of normal protein function either through protein truncation or nonsense-mediated mRNA decay. The Y85X variant was not observed in approximately 6500 individuals of European and African American ancestry in the NHLBI Exome Sequencing Project, indicating it is not a common benign variant in these populations. However, to date all published pathogenic variants in the EEF1A2 gene are missense changes, and loss-of-function variants have not been reported in association with disease. Therefore, based on the currently available information, it is unclear whether this variant is a pathogenic variant or a rare benign variant.